The following is an entry in ClinVar:

NM_000213.5(ITGB4):c.5055G>A (p.Gly1685=)

Genes: GALK1 (galactokinase 1; minus strand), ITGB4 (integrin subunit beta 4; plus strand). Cytogenetic location: 17q25.1.
Variant type: single nucleotide variant.
Coding change: c.5055G>A on transcript NM_000213.5 (MANE Select); coding-DNA position 5055, G replaced by A.
Protein change: p.Gly1685=; no amino-acid change (glycine 1685 retained).
Molecular consequence: synonymous variant. On other transcripts: intron variant (1).
Genome position (GRCh38, 1-based): chr17:75,756,944, G>A. VCF-style: chr17-75756944-G-A. GRCh37 (hg19) VCF-style: chr17-73753025-G-A.
Other names: c.5004G>A, p.Gly1668= (NM_001005619.2); c.4845G>A, p.Gly1615= (NM_001005731.3, NM_001321123.2); c.4695G>A, p.Gly1565= (NM_001438834.1); c.*22+1090C>T (NM_001381985.1).
Identifiers: ClinVar variation 1606740 (VCV001606740.10), dbSNP rs148658410, ClinGen allele CA8770440.

ClinVar aggregate classification (germline): Benign. Review status: criteria provided, single submitter (1 of 4 stars). 2 submissions from 2 submitters: Benign (1). 1 of the submissions does not count toward it. Last evaluated 2024-06-14.

Conditions:
ITGB4-related disorder. Also called: ITGB4-related condition.

gnomAD v4.1: 256 of 1,612,374 alleles (0.016%); highest among the groups gnomAD compares: East Asian, 0.29%; 3 homozygotes.

Submissions (2):

Labcorp Genetics (formerly Invitae), Labcorp
Classification: Benign. Last evaluated: 2024-06-14. Review status: criteria provided, single submitter. Criteria: Invitae Variant Classification Sherloc (09022015). Collection method: clinical testing. Allele origin: germline.

PreventionGenetics, part of Exact Sciences
Classification: Likely benign for ITGB4-related condition. Last evaluated: 2022-12-19. Review status: no assertion criteria provided. Collection method: clinical testing. Allele origin: germline. Not counted in ClinVar's aggregate classification.
Comment: This variant is classified as likely benign based on ACMG/AMP sequence variant interpretation guidelines (Richards et al. 2015 PMID: 25741868, with internal and published modifications).